The following is an entry in ClinVar:

ClinVar aggregate classification (germline): Uncertain significance (1 of 4 stars; one submission).

Submission:

GeneDx
Classification: Uncertain significance. Last evaluated: 2025-01-17. Review status: criteria provided, single submitter. Criteria: GeneDx Variant Classification Process June 2021. Collection method: clinical testing. Allele origin: germline. Affected: yes.
Comment: Not observed at significant frequency in large population cohorts (gnomAD); In silico analysis supports that this missense variant has a deleterious effect on protein structure/function; Has not been previously published as pathogenic or benign to our knowledge.

NM_198503.5(KCNT2):c.2306G>A (p.Cys769Tyr)

Gene: KCNT2 (potassium sodium-activated channel subfamily T member 2; minus strand). Cytogenetic location: 1q31.3.
Variant type: single nucleotide variant.
Coding change: c.2306G>A on transcript NM_198503.5 (MANE Select); coding-DNA position 2306, G replaced by A.
Protein change: p.Cys769Tyr; replaces cysteine 769 with tyrosine.
Molecular consequence: missense variant. On other transcripts: non-coding transcript variant (1), intron variant (2).
Genome position (GRCh38, 1-based): chr1:196,319,526, C>T on the plus strand (G>A on the coding strand, the complement: KCNT2 is on the minus strand). VCF-style: chr1-196319526-C-T. GRCh37 (hg19) VCF-style: chr1-196288656-C-T.
Other names: c.2127-3500G>A (NM_001287820.3); c.2277-3500G>A (NM_001287819.3); short protein forms C769Y.
Identifiers: ClinVar variation 4070770 (VCV004070770.1).